The following is an entry in ClinVar:

ClinVar aggregate classification (germline): Likely pathogenic (1 of 4 stars; one submission).

Conditions:
Nemaline myopathy 2 (NEM2). Also called: Nemaline myopathy 2, autosomal recessive. Identifiers: MedGen C1850569, MONDO:0009725, OMIM 256030.

Submission:

Prenatal Diagnosis Center, Peking University People's Hospital
Classification: Likely pathogenic for Nemaline myopathy 2. Last evaluated: 2023-11-15. Review status: criteria provided, single submitter. Criteria: ACMG Guidelines, 2015. Collection method: research. Allele origin: paternal. Affected: yes. Observed: 1 heterozygote.
Comment: This sequence change creates a premature translational stop signal (p.I2010Tfs*14). It is expected to result in an absent or disrupted protein product. This variant is not present in population databases (ExAC:.; 1000 Genome:.; gnomAD:.). This variant has not been reported in the literature in individuals with NEB-related conditions. Loss-of-function variants in NEB are known to be pathogenic (PMID: 25205138, IF: 3.9 Q2 ). For these reasons, this variant has been classified as Likely Pathogenic (PVS1, PM2_PP).

Literature cited by the submitters: PubMed 25205138.

NM_001164508.2(NEB):c.6029del (p.Ile2010fs)

Gene: NEB (nebulin; minus strand). Cytogenetic location: 2q23.3.
Variant type: Deletion.
Coding change: c.6029del on transcript NM_001164508.2 (MANE Select); coding-DNA position 6029, one base deleted (T; older notation c.6029delT).
Protein change: p.Ile2010fs; shifts the reading frame from isoleucine 2010.
Molecular consequence: frameshift variant.
Genome position (GRCh38, 1-based): chr2:151,659,111, A deleted on the plus strand (T on the coding strand, the reverse complement: NEB is on the minus strand). VCF-style (leftmost placement, unchanged base first): chr2-151659110-GA-G. GRCh37 (hg19) VCF-style: chr2-152515624-GA-G.
Other names: c.6029del, p.Ile2010fs (NM_001164507.2, NM_001271208.2, NM_004543.5); c.6029delT (NM_001271208.2); short protein forms I2010fs.
Identifiers: ClinVar variation 2661897 (VCV002661897.2), dbSNP rs2552254240, ClinGen allele CA2586969967.